The following is an entry in ClinVar:

ClinVar aggregate classification (germline): Conflicting classifications of pathogenicity. Review status: criteria provided, conflicting classifications (1 of 4 stars). 5 submissions from 5 submitters: Uncertain significance (1); Likely benign (4). Last evaluated 2025-08-20.

Conditions:
Cardiovascular phenotype. Identifiers: MedGen CN230736.
Dilated cardiomyopathy 1G (CMD1G). Identifiers: Orphanet 154, MedGen C1858763, MONDO:0011400, OMIM 604145.
Autosomal recessive limb-girdle muscular dystrophy type 2J (LGMDR10). Also called: MUSCULAR DYSTROPHY, LIMB-GIRDLE, AUTOSOMAL RECESSIVE 10; Limb-girdle muscular dystrophy, type 2J. Identifiers: Orphanet 140922, MedGen C1837342, MONDO:0012127, OMIM 608807.

Allele frequency attached by ClinVar (database versions not stated): gnomAD exomes 0.00002 and 0.00012; TOPMed 0.00005; gnomAD 0.00006 and 0.00008; ExAC 0.00013; 1000 Genomes Project 0.00060; 1000 Genomes Project 30x 0.00062.
gnomAD v4.1: 48 of 1,613,686 alleles (0.003%); highest among the groups gnomAD compares: East Asian, 0.1%; no homozygotes.

Submissions (5):

Labcorp Genetics (formerly Invitae), Labcorp
Classification: Likely benign for Dilated cardiomyopathy 1G; Autosomal recessive limb-girdle muscular dystrophy type 2J. Last evaluated: 2025-08-20. Review status: criteria provided, single submitter. Criteria: Invitae Variant Classification Sherloc (09022015). Collection method: clinical testing. Allele origin: germline.

Revvity Omics, Revvity
Classification: Uncertain significance. Last evaluated: 2024-06-21. Review status: criteria provided, single submitter. Criteria: ACMG Guidelines, 2015. Collection method: clinical testing. Allele origin: germline.

Laboratory for Molecular Medicine, Mass General Brigham Personalized Medicine
Classification: Likely benign. Last evaluated: 2021-07-28. Review status: criteria provided, single submitter. Criteria: ACMG Guidelines, 2015. Collection method: clinical testing. Allele origin: germline.
Comment: The p.Asn24685Ser variant in TTN is classified as likely benign because it has been identified in 0.18% (35/19406) of East Asian chromosomes by gnomAD. In addition, computational prediction tools and conservation analysis suggest that this variant does not impact the protein. ACMG/AMP Criteria applied: BS1, BP4.

GeneDx
Classification: Likely benign. Last evaluated: 2020-10-08. Review status: criteria provided, single submitter. Criteria: GeneDx Variant Classification Process June 2021. Collection method: clinical testing. Allele origin: germline. Affected: yes.

Ambry Genetics
Classification: Likely benign for Cardiovascular phenotype. Last evaluated: 2019-12-27. Review status: criteria provided, single submitter. Criteria: Ambry Variant Classification Scheme 2023. Collection method: clinical testing. Allele origin: germline.

NM_001267550.2(TTN):c.81758A>G (p.Asn27253Ser)

Genes: TTN (titin; minus strand), TTN-AS1 (TTN antisense RNA 1; plus strand). Cytogenetic location: 2q31.2.
Variant type: single nucleotide variant.
Coding change: c.81758A>G on transcript NM_001267550.2 (MANE Select); coding-DNA position 81758, A replaced by G.
Protein change: p.Asn27253Ser; replaces asparagine 27253 with serine.
Molecular consequence: missense variant.
Genome position (GRCh38, 1-based): chr2:178,564,374, T>C on the plus strand (A>G on the coding strand, the complement: TTN is on the minus strand). VCF-style: chr2-178564374-T-C. GRCh37 (hg19) VCF-style: chr2-179429101-T-C.
Other names: p.N25612S:AAC>AGC; c.76835A>G, p.Asn25612Ser (NM_001256850.1); c.74054A>G, p.Asn24685Ser (NM_133378.4); c.54563A>G, p.Asn18188Ser (NM_003319.4); c.54938A>G, p.Asn18313Ser (NM_133432.3); c.55139A>G, p.Asn18380Ser (NM_133437.4); short protein forms N25612S, N27253S, N24685S, N18313S, N18188S, N18380S.
Identifiers: ClinVar variation 202909 (VCV000202909.23), dbSNP rs529055709, ClinGen allele CA310659.